The following is an entry in ClinVar:

NM_000642.3(AGL):c.1611+2T>G

Gene: AGL (amylo-alpha-1,6-glucosidase and 4-alpha-glucanotransferase; plus strand). Cytogenetic location: 1p21.2.
Variant type: single nucleotide variant.
Coding change: c.1611+2T>G on transcript NM_000642.3 (MANE Select); the canonical splice donor site of the intron after coding-DNA position 1611, T replaced by G.
Molecular consequence: splice donor variant.
Genome position (GRCh38, 1-based): chr1:99,877,830, T>G. VCF-style: chr1-99877830-T-G. GRCh37 (hg19) VCF-style: chr1-100343386-T-G.
Other names: c.1611+2T>G (NM_000643.3, NM_000644.3, NM_001425326.1 and 2 more transcripts); c.1563+2T>G (NM_000646.3); c.1410+2T>G (NM_001425327.1); c.1407+2T>G (NM_001425328.1, NM_001425329.1); c.1233+2T>G (NM_001425332.1).
Identifiers: ClinVar variation 2727587 (VCV002727587.3), dbSNP rs2524622671, ClinGen allele CA341314898.

ClinVar aggregate classification (germline): Likely pathogenic (1 of 4 stars; one submission).

Conditions:
Glycogen storage disease type III (GSD3). Also called: Cori disease; FORBES DISEASE. Identifiers: Orphanet 366, MedGen C0017922, MONDO:0009291, OMIM 232400.

Submission:

Labcorp Genetics (formerly Invitae), Labcorp
Classification: Likely pathogenic for Glycogen storage disease type III. Last evaluated: 2023-01-10. Review status: criteria provided, single submitter. Criteria: Invitae Variant Classification Sherloc (09022015). Collection method: clinical testing. Allele origin: germline.
Comment: This sequence change affects a donor splice site in intron 12 of the AGL gene. It is expected to disrupt RNA splicing. Variants that disrupt the donor or acceptor splice site typically lead to a loss of protein function (PMID: 16199547), and loss-of-function variants in AGL are known to be pathogenic (PMID: 19299494). This variant is not present in population databases (gnomAD no frequency). This variant has not been reported in the literature in individuals affected with AGL-related conditions. Algorithms developed to predict the effect of sequence changes on RNA splicing suggest that this variant may disrupt the consensus splice site. In summary, the currently available evidence indicates that the variant is pathogenic, but additional data are needed to prove that conclusively. Therefore, this variant has been classified as Likely Pathogenic.

Literature cited by the submitters: PubMed 16199547; PubMed 19299494.